The following is an entry in ClinVar:

ClinVar aggregate classification (germline): Uncertain significance (1 of 4 stars; one submission).

Conditions:
Glycine encephalopathy. Also called: Nonketotic hyperglycinemia; Non-ketotic hyperglycinemia. Identifiers: Orphanet 407, MedGen C0751748, MONDO:0011612, HP:0008288.

gnomAD v4.1: 1 of 1,613,952 alleles (0.000062%); highest among the groups gnomAD compares: East Asian, 0.0022%; no homozygotes.

Submission:

Labcorp Genetics (formerly Invitae), Labcorp
Classification: Uncertain significance for Glycine encephalopathy. Last evaluated: 2025-07-18. Review status: criteria provided, single submitter. Criteria: Invitae Variant Classification Sherloc (09022015). Collection method: clinical testing. Allele origin: germline.
Comment: This sequence change replaces aspartic acid, which is acidic and polar, with glycine, which is neutral and non-polar, at codon 185 of the GLDC protein (p.Asp185Gly). This variant is present in population databases (no rsID available, gnomAD 0.006%). This variant has not been reported in the literature in individuals affected with GLDC-related conditions. Invitae Evidence Modeling of protein sequence and biophysical properties (such as structural, functional, and spatial information, amino acid conservation, physicochemical variation, residue mobility, and thermodynamic stability) indicates that this missense variant is expected to disrupt GLDC protein function with a positive predictive value of 95%. In summary, the available evidence is currently insufficient to determine the role of this variant in disease. Therefore, it has been classified as a Variant of Uncertain Significance.

NM_000170.3(GLDC):c.554A>G (p.Asp185Gly)

Gene: GLDC (glycine decarboxylase; minus strand). Cytogenetic location: 9p24.1.
Variant type: single nucleotide variant.
Coding change: c.554A>G on transcript NM_000170.3 (MANE Select); coding-DNA position 554, A replaced by G.
Protein change: p.Asp185Gly; replaces aspartic acid 185 with glycine.
Molecular consequence: missense variant.
Genome position (GRCh38, 1-based): chr9:6,610,273, T>C on the plus strand (A>G on the coding strand, the complement: GLDC is on the minus strand). VCF-style: chr9-6610273-T-C. GRCh37 (hg19) VCF-style: chr9-6610273-T-C.
Other names: short protein forms D185G.
Identifiers: ClinVar variation 4690580 (VCV004690580.1).